The following is an entry in ClinVar:

NM_000263.4(NAGLU):c.1735G>A (p.Ala579Thr)

Gene: NAGLU (N-acetyl-alpha-glucosaminidase; plus strand). Cytogenetic location: 17q21.2.
Variant type: single nucleotide variant.
Coding change: c.1735G>A on transcript NM_000263.4 (MANE Select); coding-DNA position 1735, G replaced by A.
Protein change: p.Ala579Thr; replaces alanine 579 with threonine.
Molecular consequence: missense variant.
Genome position (GRCh38, 1-based): chr17:42,543,741, G>A. VCF-style: chr17-42543741-G-A. GRCh37 (hg19) VCF-style: chr17-40695759-G-A.
Other names: short protein forms A579T.
Identifiers: ClinVar variation 2106226 (VCV002106226.4), dbSNP rs2510660224, ClinGen allele CA399604672.
Genomic context (GRCh38, chr17:42,543,741, plus strand): 5'-GACCTGCTGGACCTCACTCGGCAGGCAGTGCAGGAGCTGGTCAGCTTGTACTATGAGGAG[G>A]CAAGAAGCGCCTACCTGAGCAAGGAGCTGGCCTCCCTGTTGAGGGCTGGAGGCGTCCTGG-3'
Protein context (NP_000254.2, residues 569-589): QELVSLYYEE[Ala579Thr]RSAYLSKELA

ClinVar aggregate classification (germline): Uncertain significance (1 of 4 stars; one submission).

Conditions:
Charcot-Marie-Tooth disease axonal type 2V. Also called: CHARCOT-MARIE-TOOTH NEUROPATHY, TYPE 2V; CHARCOT-MARIE-TOOTH DISEASE, AXONAL, AUTOSOMAL DOMINANT, TYPE 2V. Identifiers: Orphanet 447964, MedGen C5569050, MONDO:0014665, OMIM 616491.
Mucopolysaccharidosis, MPS-III-B (MPS3B). Also called: N-ACETYL-ALPHA-D-GLUCOSAMINIDASE DEFICIENCY; NAGLU DEFICIENCY; SANFILIPPO SYNDROME B; MPS III B; MUCOPOLYSACCHARIDOSIS, TYPE IIIB; MPS IIIB (Sanfilippo Syndrome Type B). Identifiers: Orphanet 79270, MedGen C0086648, MONDO:0009656, OMIM 252920.

Submission:

Labcorp Genetics (formerly Invitae), Labcorp
Classification: Uncertain significance for Charcot-Marie-Tooth disease axonal type 2V; Mucopolysaccharidosis, MPS-III-B. Last evaluated: 2022-03-04. Review status: criteria provided, single submitter. Criteria: Invitae Variant Classification Sherloc (09022015). Collection method: clinical testing. Allele origin: germline.
Comment: This variant is not present in population databases (gnomAD no frequency). This sequence change replaces alanine, which is neutral and non-polar, with threonine, which is neutral and polar, at codon 579 of the NAGLU protein (p.Ala579Thr). This variant has not been reported in the literature in individuals affected with NAGLU-related conditions. Advanced modeling of protein sequence and biophysical properties (such as structural, functional, and spatial information, amino acid conservation, physicochemical variation, residue mobility, and thermodynamic stability) performed at Invitae indicates that this missense variant is not expected to disrupt NAGLU protein function. In summary, the available evidence is currently insufficient to determine the role of this variant in disease. Therefore, it has been classified as a Variant of Uncertain Significance.